The following is an entry in ClinVar:

ClinVar aggregate classification (germline): Uncertain significance. Review status: criteria provided, multiple submitters, no conflicts (2 of 4 stars). 3 submissions from 3 submitters: Uncertain significance (3). Last evaluated 2025-11-11.

Conditions:
Hereditary cancer-predisposing syndrome. Also called: Tumor predisposition; Hereditary neoplastic syndrome; Neoplastic Syndromes, Hereditary; Hereditary Cancer Syndrome. Identifiers: Orphanet 140162, MedGen C0027672, MeSH D009386, MONDO:0015356.
Renal cell carcinoma. Identifiers: Orphanet 217071, MedGen C0007134, MeSH D002292, MONDO:0005086, HP:0005584.

Allele frequency attached by ClinVar (database versions not stated): gnomAD exomes below 0.00001; TOPMed 0.00001.
gnomAD v4.1: 1 of 1,613,986 alleles (0.000062%); highest among the groups gnomAD compares: Non-Finnish European, 0.000085%; no homozygotes.

Submissions (3):

Ambry Genetics
Classification: Uncertain significance for Hereditary cancer-predisposing syndrome. Last evaluated: 2025-11-11. Review status: criteria provided, single submitter. Criteria: Ambry Variant Classification Scheme 2023. Collection method: clinical testing. Allele origin: germline.
Comment: The p.V158F variant (also known as c.472G>T), located in coding exon 1 of the MET gene, results from a G to T substitution at nucleotide position 472. The valine at codon 158 is replaced by phenylalanine, an amino acid with highly similar properties. This amino acid position is conserved. In addition, the in silico prediction for this alteration is inconclusive. Since supporting evidence is limited at this time, the clinical significance of this alteration remains unclear.

Labcorp Genetics (formerly Invitae), Labcorp
Classification: Uncertain significance for Renal cell carcinoma. Last evaluated: 2025-04-24. Review status: criteria provided, single submitter. Criteria: Invitae Variant Classification Sherloc (09022015). Collection method: clinical testing. Allele origin: germline.
Comment: This sequence change replaces valine, which is neutral and non-polar, with phenylalanine, which is neutral and non-polar, at codon 158 of the MET protein (p.Val158Phe). This variant is present in population databases (no rsID available, gnomAD 0.0009%). This variant has not been reported in the literature in individuals affected with MET-related conditions. ClinVar contains an entry for this variant (Variation ID: 1499687). Invitae Evidence Modeling of protein sequence and biophysical properties (such as structural, functional, and spatial information, amino acid conservation, physicochemical variation, residue mobility, and thermodynamic stability) indicates that this missense variant is expected to disrupt MET protein function with a positive predictive value of 80%. In summary, the available evidence is currently insufficient to determine the role of this variant in disease. Therefore, it has been classified as a Variant of Uncertain Significance.

GeneDx
Classification: Uncertain significance. Last evaluated: 2023-05-19. Review status: criteria provided, single submitter. Criteria: GeneDx Variant Classification Process June 2021. Collection method: clinical testing. Allele origin: germline. Affected: yes.
Comment: Not observed at significant frequency in large population cohorts (gnomAD); In silico analysis supports that this missense variant does not alter protein structure/function; Has not been previously published as pathogenic or benign to our knowledge

NM_000245.4(MET):c.472G>T (p.Val158Phe)

Gene: MET (MET proto-oncogene, receptor tyrosine kinase; plus strand). Cytogenetic location: 7q31.2.
Variant type: single nucleotide variant.
Coding change: c.472G>T on transcript NM_000245.4 (MANE Select); coding-DNA position 472, G replaced by T.
Protein change: p.Val158Phe; replaces valine 158 with phenylalanine.
Molecular consequence: missense variant. On other transcripts: intron variant (1).
Genome position (GRCh38, 1-based): chr7:116,699,556, G>T. VCF-style: chr7-116699556-G-T. GRCh37 (hg19) VCF-style: chr7-116339610-G-T.
Other names: c.472G>T, p.Val158Phe (NM_001127500.3, NM_001324401.3); c.-91+26979G>T (NM_001324402.2); short protein forms V158F.
Identifiers: ClinVar variation 1499687 (VCV001499687.14), dbSNP rs1227091238, ClinGen allele CA368969157.